The following is an entry in ClinVar:

ClinVar aggregate classification (germline): Uncertain significance (1 of 4 stars; one submission).

Conditions:
Kleefstra syndrome 1 (KLEFS1). Identifiers: Orphanet 261494, MedGen C0795833, MONDO:0027407, OMIM 610253.

Submission:

Labcorp Genetics (formerly Invitae), Labcorp
Classification: Uncertain significance for Kleefstra syndrome 1. Last evaluated: 2024-06-17. Review status: criteria provided, single submitter. Criteria: Invitae Variant Classification Sherloc (09022015). Collection method: clinical testing. Allele origin: germline.
Comment: This sequence change replaces arginine, which is basic and polar, with cysteine, which is neutral and slightly polar, at codon 736 of the EHMT1 protein (p.Arg736Cys). This variant is not present in population databases (gnomAD no frequency). This variant has not been reported in the literature in individuals affected with EHMT1-related conditions. Advanced modeling of protein sequence and biophysical properties (such as structural, functional, and spatial information, amino acid conservation, physicochemical variation, residue mobility, and thermodynamic stability) performed at Invitae indicates that this missense variant is expected to disrupt EHMT1 protein function with a positive predictive value of 80%. In summary, the available evidence is currently insufficient to determine the role of this variant in disease. Therefore, it has been classified as a Variant of Uncertain Significance.

NM_024757.5(EHMT1):c.2206C>T (p.Arg736Cys)

Gene: EHMT1 (euchromatic histone lysine methyltransferase 1; plus strand). Cytogenetic location: 9q34.3.
Variant type: single nucleotide variant.
Coding change: c.2206C>T on transcript NM_024757.5 (MANE Select); coding-DNA position 2206, C replaced by T.
Protein change: p.Arg736Cys; replaces arginine 736 with cysteine.
Molecular consequence: missense variant.
Genome position (GRCh38, 1-based): chr9:137,779,648, C>T. VCF-style: chr9-137779648-C-T. GRCh37 (hg19) VCF-style: chr9-140674100-C-T.
Other names: c.2206C>T, p.Arg736Cys (NM_001145527.2); c.2113C>T, p.Arg705Cys (NM_001354259.2); c.2185C>T, p.Arg729Cys (NM_001354263.2); short protein forms R729C, R736C, R705C.
Identifiers: ClinVar variation 2052673 (VCV002052673.4), dbSNP rs2542422116, ClinGen allele CA375780037.